The following is an entry in ClinVar:

ClinVar aggregate classification (germline): Uncertain significance (1 of 4 stars; one submission).

Conditions:
Salla disease (SD). Also called: Less Severe FSASD (Salla Disease); Sialuria, Finnish type; N-acetylneuraminic acid (NANA) storage disease (NSD); Infantile sialic acid storage disorder (ISSD). Identifiers: Orphanet 309334, Orphanet 834, MedGen C1096903, MONDO:0011449, OMIM 604369.

Submission:

Labcorp Genetics (formerly Invitae), Labcorp
Classification: Uncertain significance for Salla disease. Last evaluated: 2022-08-01. Review status: criteria provided, single submitter. Criteria: Invitae Variant Classification Sherloc (09022015). Collection method: clinical testing. Allele origin: germline.
Comment: This variant is not present in population databases (gnomAD no frequency). This sequence change replaces arginine, which is basic and polar, with cysteine, which is neutral and slightly polar, at codon 19 of the SLC17A5 protein (p.Arg19Cys). This variant has not been reported in the literature in individuals affected with SLC17A5-related conditions. In summary, the available evidence is currently insufficient to determine the role of this variant in disease. Therefore, it has been classified as a Variant of Uncertain Significance. Algorithms developed to predict the effect of missense changes on protein structure and function are either unavailable or do not agree on the potential impact of this missense change (SIFT: "Deleterious"; PolyPhen-2: "Benign"; Align-GVGD: "Class C0").

NM_012434.5(SLC17A5):c.55C>T (p.Arg19Cys)

Genes: SLC17A5 (solute carrier family 17 member 5; minus strand), LOC129996727 (ATAC-STARR-seq lymphoblastoid silent region 17338; plus strand). Cytogenetic location: 6q13.
Variant type: single nucleotide variant.
Coding change: c.55C>T on transcript NM_012434.5 (MANE Select); coding-DNA position 55, C replaced by T.
Protein change: p.Arg19Cys; replaces arginine 19 with cysteine.
Molecular consequence: missense variant. On other transcripts: synonymous variant (2).
Genome position (GRCh38, 1-based): chr6:73,653,832, G>A on the plus strand (C>T on the coding strand, the complement: SLC17A5 is on the minus strand). VCF-style: chr6-73653832-G-A. GRCh37 (hg19) VCF-style: chr6-74363555-G-A.
Other names: c.21C>T, p.Thr7= (NM_001382629.1, NM_001382636.1); c.55C>T, p.Arg19Cys (NM_001382630.1, NM_001382631.1, NM_001382632.1 and 3 more transcripts); short protein forms R19C.
Identifiers: ClinVar variation 2149347 (VCV002149347.4), dbSNP rs2533550176, ClinGen allele CA364720194.